The following is an entry in ClinVar:

NM_018263.6(ASXL2):c.3956_3957delinsTA (p.Ser1319Ile)

Gene: ASXL2 (ASXL transcriptional regulator 2; minus strand). Cytogenetic location: 2p23.3.
Variant type: Indel.
Coding change: c.3956_3957delinsTA on transcript NM_018263.6 (MANE Select); coding-DNA positions 3956 to 3957, GC replaced by TA.
Protein change: p.Ser1319Ile; replaces serine 1319 with isoleucine.
Molecular consequence: missense variant.
Genome position (GRCh38, 1-based): chr2:25,742,380-25,742,381, GC replaced by TA on the plus strand (GC replaced by TA on the coding strand, the reverse complement: ASXL2 is on the minus strand). VCF-style: chr2-25742380-GC-TA. GRCh37 (hg19) VCF-style: chr2-25965249-GC-TA.
Other names: c.3782_3783delinsTA, p.Ser1261Ile (NM_001369346.1); c.3176_3177delinsTA, p.Ser1059Ile (NM_001369347.1); short protein forms S1261I, S1059I, S1319I.
Identifiers: ClinVar variation 4055857 (VCV004055857.1).

ClinVar aggregate classification (germline): Uncertain significance (1 of 4 stars; one submission).

Submission:

GeneDx
Classification: Uncertain significance. Last evaluated: 2025-01-02. Review status: criteria provided, single submitter. Criteria: GeneDx Variant Classification Process June 2021. Collection method: clinical testing. Allele origin: germline. Affected: yes.
Comment: Not observed at significant frequency in large population cohorts (gnomAD); In silico analysis supports a deleterious effect on protein structure/function; Has not been previously published as pathogenic or benign to our knowledge